The following is an entry in ClinVar:

NM_001376.5(DYNC1H1):c.9884-283G>T

Gene: DYNC1H1 (dynein cytoplasmic 1 heavy chain 1; plus strand). Cytogenetic location: 14q32.31.
Variant type: single nucleotide variant.
Coding change: c.9884-283G>T on transcript NM_001376.5 (MANE Select); 283 bases into the intron before coding-DNA position 9884, G replaced by T.
Molecular consequence: intron variant.
Genome position (GRCh38, 1-based): chr14:102,031,989, G>T. VCF-style: chr14-102031989-G-T. GRCh37 (hg19) VCF-style: chr14-102498326-G-T.
Identifiers: ClinVar variation 671847 (VCV000671847.1), dbSNP rs148300268, ClinGen allele CA266966450.

ClinVar aggregate classification (germline): Likely benign (1 of 4 stars; one submission).

Allele frequency attached by ClinVar (database versions not stated): 1000 Genomes Project 30x 0.00609; TOPMed 0.00632; gnomAD 0.00672 and 0.00698; 1000 Genomes Project 0.00679.
gnomAD v4.1: 1,051 of 152,270 alleles (0.69%); highest among the groups gnomAD compares: South Asian, 1%; 6 homozygotes.

Submission:

GeneDx
Classification: Likely benign. Last evaluated: 2018-06-19. Review status: criteria provided, single submitter. Criteria: GeneDx Variant Classification (06012015). Collection method: clinical testing. Allele origin: germline. Affected: yes.
Comment: This variant is considered likely benign or benign based on one or more of the following criteria: it is a conservative change, it occurs at a poorly conserved position in the protein, it is predicted to be benign by multiple in silico algorithms, and/or has population frequency not consistent with disease.